The following is an entry in ClinVar:

NM_001031710.3(KLHL7):c.352C>T (p.Leu118=)

Gene: KLHL7 (kelch like family member 7; plus strand). Cytogenetic location: 7p15.3.
Variant type: single nucleotide variant.
Coding change: c.352C>T on transcript NM_001031710.3 (MANE Select); coding-DNA position 352, C replaced by T.
Protein change: p.Leu118=; no amino-acid change (leucine 118 retained).
Molecular consequence: synonymous variant. On other transcripts: non-coding transcript variant (2).
Genome position (GRCh38, 1-based): chr7:23,125,082, C>T. VCF-style: chr7-23125082-C-T. GRCh37 (hg19) VCF-style: chr7-23164701-C-T.
Other names: c.352C>T, p.Leu118= (NM_001172428.2); c.208C>T, p.Leu70= (NM_018846.5).
Identifiers: ClinVar variation 359798 (VCV000359798.14), dbSNP rs15775, ClinGen allele CA4186373.

ClinVar aggregate classification (germline): Benign. Review status: criteria provided, multiple submitters, no conflicts (2 of 4 stars). 3 submissions from 3 submitters: Benign (3). Last evaluated 2026-02-04.

Conditions:
PERCHING syndrome (PERCHING). Also called: Cold-induced sweating syndrome 3. Identifiers: Orphanet 157820, Orphanet 603684, MedGen C4310742, MONDO:0014890, OMIM 617055.
Retinitis pigmentosa (RP). Identifiers: Orphanet 791, MedGen C0035334, MeSH D012174, MONDO:0019200, OMIM 268000. Inheritance: Autosomal dominant, autosomal recessive and X linked inheritance.

Allele frequency attached by ClinVar (database versions not stated): gnomAD exomes 0.34470 and 0.36281; ExAC 0.35375; 1000 Genomes Project 0.42033; 1000 Genomes Project 30x 0.42614; gnomAD 0.43353 and 0.44258; TOPMed 0.44506; ESP Exome Variant Server 0.45815.
gnomAD v4.1: 595,838 of 1,610,180 alleles (37%); highest among the groups gnomAD compares: African/African-American, 65%; 115,329 homozygotes.

Submissions (3):

Labcorp Genetics (formerly Invitae), Labcorp
Classification: Benign. Last evaluated: 2026-02-04. Review status: criteria provided, single submitter. Criteria: Invitae Variant Classification Sherloc (09022015). Collection method: clinical testing. Allele origin: germline.

Mendelics
Classification: Benign for PERCHING syndrome. Last evaluated: 2019-05-28. Review status: criteria provided, single submitter. Criteria: Mendelics Assertion Criteria 2017. Collection method: clinical testing. Allele origin: unknown.

Illumina Laboratory Services, Illumina
Classification: Benign for Retinitis pigmentosa. Last evaluated: 2018-01-13. Review status: criteria provided, single submitter. Criteria: ICSL Variant Classification Criteria 13 December 2019. Collection method: clinical testing. Allele origin: germline.
Comment: This variant was observed in the ICSL laboratory as part of a predisposition screen in an ostensibly healthy population. It had not been previously curated by ICSL or reported in the Human Gene Mutation Database (HGMD: prior to June 1st, 2018), and was therefore a candidate for classification through an automated scoring system. Utilizing variant allele frequency, disease prevalence and penetrance estimates, and inheritance mode, an automated score was calculated to assess if this variant is too frequent to cause the disease. Based on the score and internal cut-off values, a variant classified as benign is not then subjected to further curation. The score for this variant resulted in a classification of benign for this disease.